The following is an entry in ClinVar:

ClinVar aggregate classification (germline): Uncertain significance (1 of 4 stars; one submission).

Conditions:
Agammaglobulinemia 4, autosomal recessive (AGM4). Also called: B cell linker protein deficiency; AGAMMAGLOBULINEMIA, AUTOSOMAL RECESSIVE, DUE TO BLNK DEFECT. Identifiers: MedGen C3150752, MONDO:0013289, OMIM 613502.

Submission:

Labcorp Genetics (formerly Invitae), Labcorp
Classification: Uncertain significance for Agammaglobulinemia 4, autosomal recessive. Last evaluated: 2022-08-31. Review status: criteria provided, single submitter. Criteria: Invitae Variant Classification Sherloc (09022015). Collection method: clinical testing. Allele origin: germline.
Comment: In summary, the available evidence is currently insufficient to determine the role of this variant in disease. Therefore, it has been classified as a Variant of Uncertain Significance. Algorithms developed to predict the effect of sequence changes on RNA splicing suggest that this variant may disrupt the consensus splice site. This variant is not present in population databases (gnomAD no frequency). This sequence change replaces arginine, which is basic and polar, with leucine, which is neutral and non-polar, at codon 123 of the BLNK protein (p.Arg123Leu). This variant has not been reported in the literature in individuals affected with BLNK-related conditions. ClinVar contains an entry for this variant (Variation ID: 1465770). Algorithms developed to predict the effect of missense changes on protein structure and function are either unavailable or do not agree on the potential impact of this missense change (SIFT: "Deleterious"; PolyPhen-2: "Benign"; Align-GVGD: "Class C0").

NM_013314.4(BLNK):c.368G>T (p.Arg123Leu)

Gene: BLNK (B cell linker; minus strand). Cytogenetic location: 10q24.1.
Variant type: single nucleotide variant.
Coding change: c.368G>T on transcript NM_013314.4 (MANE Select); coding-DNA position 368, G replaced by T.
Protein change: p.Arg123Leu; replaces arginine 123 with leucine.
Molecular consequence: missense variant. On other transcripts: non-coding transcript variant (1), intron variant (1).
Genome position (GRCh38, 1-based): chr10:96,223,983, C>A on the plus strand (G>T on the coding strand, the complement: BLNK is on the minus strand). VCF-style: chr10-96223983-C-A. GRCh37 (hg19) VCF-style: chr10-97983739-C-A.
Other names: c.368G>T, p.Arg123Leu (NM_001114094.2, NM_001258440.2, NM_001258441.2); c.349+3439G>T (NM_001258442.2); short protein forms R123L.
Identifiers: ClinVar variation 1465770 (VCV001465770.8), dbSNP rs781854815, ClinGen allele CA377724923.